The following is an entry in ClinVar:

ClinVar aggregate classification (germline): Likely benign. Review status: criteria provided, multiple submitters, no conflicts (2 of 4 stars). 2 submissions from 2 submitters: Likely benign (2). Last evaluated 2026-06-03.

Conditions:
TRPM1-related disorder. Also called: TRPM1-related condition.

Allele frequency attached by ClinVar (database versions not stated): ExAC 0.00001; gnomAD exomes 0.00001; TOPMed 0.00003.
gnomAD v4.1: 25 of 1,614,204 alleles (0.0015%); highest among the groups gnomAD compares: South Asian, 0.0033%; no homozygotes.

Submissions (2):

PreventionGenetics, part of Exact Sciences
Classification: Likely benign for TRPM1-related condition. Last evaluated: 2026-06-03. Review status: criteria provided, single submitter. Criteria: ACMG Guidelines, 2015. Collection method: clinical testing. Allele origin: germline.
Comment: This variant is classified as likely benign based on ACMG/AMP sequence variant interpretation guidelines (Richards et al. 2015 PMID: 25741868, with internal and published modifications).

Labcorp Genetics (formerly Invitae), Labcorp
Classification: Likely benign. Last evaluated: 2023-12-19. Review status: criteria provided, single submitter. Criteria: Invitae Variant Classification Sherloc (09022015). Collection method: clinical testing. Allele origin: germline.

NM_001252024.2(TRPM1):c.4350G>A (p.Thr1450=)

Gene: TRPM1 (transient receptor potential cation channel subfamily M member 1; minus strand). Cytogenetic location: 15q13.3.
Variant type: single nucleotide variant.
Coding change: c.4350G>A on transcript NM_001252024.2 (MANE Select); coding-DNA position 4350, G replaced by A.
Protein change: p.Thr1450=; no amino-acid change (threonine 1450 retained).
Molecular consequence: synonymous variant.
Genome position (GRCh38, 1-based): chr15:31,002,350, C>T on the plus strand (G>A on the coding strand, the complement: TRPM1 is on the minus strand). VCF-style: chr15-31002350-C-T. GRCh37 (hg19) VCF-style: chr15-31294553-C-T.
Other names: c.4401G>A, p.Thr1467= (NM_001252020.2); c.4284G>A, p.Thr1428= (NM_002420.6); c.4401G>A (NM_001252020.1).
Identifiers: ClinVar variation 1633837 (VCV001633837.9), dbSNP rs750213641, ClinGen allele CA7451657.